The following is an entry in ClinVar:

NM_000051.4(ATM):c.4400A>G (p.Asp1467Gly)

Gene: ATM (ATM serine/threonine kinase; plus strand). Cytogenetic location: 11q22.3.
Variant type: single nucleotide variant.
Coding change: c.4400A>G on transcript NM_000051.4 (MANE Select); coding-DNA position 4400, A replaced by G.
Protein change: p.Asp1467Gly; replaces aspartic acid 1467 with glycine.
Molecular consequence: missense variant.
Genome position (GRCh38, 1-based): chr11:108,289,765, A>G. VCF-style: chr11-108289765-A-G. GRCh37 (hg19) VCF-style: chr11-108160492-A-G.
Other names: p.D1467G:GAC>GGC; c.4400A>G, p.Asp1467Gly (NM_001351834.2); short protein forms D1467G.
Identifiers: ClinVar variation 181997 (VCV000181997.30), dbSNP rs730881392, ClinGen allele CA298359.
Genomic context (GRCh38, chr11:108,289,765, plus strand): 5'-GTTTATTACTGAAAGATATAAAAAGTGGCTTAGGAGGAGCTTGGGCCTTTGTTCTTCGAG[A>G]CGTTATTTATACTTTGATTCACTATATCAACCAAAGGTAAATAACATATTTAGACCAATA-3'
Protein context (NP_000042.3, residues 1457-1477): LGGAWAFVLR[Asp1467Gly]VIYTLIHYIN

ClinVar aggregate classification (germline): Uncertain significance. Review status: criteria provided, multiple submitters, no conflicts (2 of 4 stars). 8 submissions from 8 submitters: Uncertain significance (7). 1 of the submissions does not count toward it. Last evaluated 2026-01-27.

Conditions:
Hereditary cancer-predisposing syndrome. Also called: Tumor predisposition; Hereditary Cancer Syndrome; Hereditary neoplastic syndrome; Neoplastic Syndromes, Hereditary. Identifiers: Orphanet 140162, MedGen C0027672, MeSH D009386, MONDO:0015356.
Familial cancer of breast. Also called: BREAST CANCER, FAMILIAL; hereditary breast carcinoma; Hereditary breast cancer. Identifiers: Orphanet 227535, MedGen C0346153, MONDO:0016419, OMIM 114480. Disease mechanism: loss of function.
Ataxia-telangiectasia syndrome (AT). Also called: LOUIS-BAR SYNDROME; Cerebello-oculocutaneous telangiectasia; Immunodeficiency with ataxia telangiectasia; ATAXIA-TELANGIECTASIA, COMPLEMENTATION GROUP A; ATAXIA-TELANGIECTASIA, FRESNO VARIANT; Ataxia-telangiectasia. Identifiers: Orphanet 100, MedGen C0004135, MONDO:0008840, OMIM 208900.

Allele frequency attached by ClinVar (database versions not stated): gnomAD exomes below 0.00001; TOPMed 0.00001.
gnomAD v4.1: 3 of 1,613,502 alleles (0.00019%); highest among the groups gnomAD compares: Non-Finnish European, 0.000085%; no homozygotes.

Submissions (8):

Labcorp Genetics (formerly Invitae), Labcorp
Classification: Uncertain significance for Ataxia-telangiectasia syndrome. Last evaluated: 2026-01-27. Review status: criteria provided, single submitter. Criteria: Invitae Variant Classification Sherloc (09022015). Collection method: clinical testing. Allele origin: germline.
Comment: This sequence change replaces aspartic acid, which is acidic and polar, with glycine, which is neutral and non-polar, at codon 1467 of the ATM protein (p.Asp1467Gly). This variant is not present in population databases (gnomAD no frequency). This missense change has been observed in individual(s) with breast cancer (PMID: 11746755). ClinVar contains an entry for this variant (Variation ID: 181997). Invitae Evidence Modeling of protein sequence and biophysical properties (such as structural, functional, and spatial information, amino acid conservation, physicochemical variation, residue mobility, and thermodynamic stability) has been performed for this missense variant. However, the output from this modeling did not meet the statistical confidence thresholds required to predict the impact of this variant on ATM protein function. In summary, the available evidence is currently insufficient to determine the role of this variant in disease. Therefore, it has been classified as a Variant of Uncertain Significance.

Ambry Genetics
Classification: Uncertain significance for Hereditary cancer-predisposing syndrome. Last evaluated: 2024-08-15. Review status: criteria provided, single submitter. Criteria: Ambry Variant Classification Scheme 2023. Collection method: clinical testing. Allele origin: germline.
Comment: The p.D1467G variant (also known as c.4400A>G), located in coding exon 28 of the ATM gene, results from an A to G substitution at nucleotide position 4400. The aspartic acid at codon 1467 is replaced by glycine, an amino acid with similar properties. In one study, this alteration was identified in 1/52 unselected breast cancer patients screened for ATM mutations (Atencio DP et al. Environ. Mol. Mutagen., 2001;38:200-8). This amino acid position is highly conserved in available vertebrate species. In addition, this alteration is predicted to be deleterious by in silico analysis. Since supporting evidence is limited at this time, the clinical significance of this alteration remains unclear.

Fulgent Genetics
Classification: Uncertain significance for Familial cancer of breast; Ataxia-telangiectasia syndrome. Last evaluated: 2024-04-13. Review status: criteria provided, single submitter. Criteria: ACMG Guidelines, 2015. Collection method: clinical testing. Allele origin: germline.

Women's Health and Genetics/Laboratory Corporation of America, LabCorp
Classification: Uncertain significance. Last evaluated: 2023-09-29. Review status: criteria provided, single submitter. Criteria: LabCorp Variant Classification Summary - May 2015. Collection method: clinical testing. Allele origin: germline.
Comment: Variant summary: ATM c.4400A>G (p.Asp1467Gly) results in a non-conservative amino acid change in the encoded protein sequence. Four of five in-silico tools predict a damaging effect of the variant on protein function. The variant was absent in 250976 control chromosomes (gnomAD). The available data on variant occurrences in the general population are insufficient to allow any conclusion about variant significance. c.4400A>G has been reported in the literature in individuals affected with breast cancer (e.g. Atencio_2001, Tavtigian_2009). These reports do not provide unequivocal conclusions about association of the variant with Ataxia-Telangiectasia. To our knowledge, no experimental evidence demonstrating an impact on protein function has been reported. The following publications have been ascertained in the context of this evaluation (PMID: 11746755, 19781682). Five submitters have cited clinical-significance assessments for this variant to ClinVar after 2014. All submitters classified the variant as uncertain significance. Based on the evidence outlined above, the variant was classified as uncertain significance.

GeneDx
Classification: Uncertain significance. Last evaluated: 2023-09-12. Review status: criteria provided, single submitter. Criteria: GeneDx Variant Classification Process June 2021. Collection method: clinical testing. Allele origin: germline. Affected: yes.
Comment: Not observed at significant frequency in large population cohorts (gnomAD); In silico analysis supports that this missense variant has a deleterious effect on protein structure/function; Observed in individuals with breast cancer (Atencio et al., 2001; Tavtigian et al., 2009); This variant is associated with the following publications: (PMID: 11746755, 19781682)

Baylor Genetics
Classification: Uncertain significance for Familial cancer of breast. Last evaluated: 2023-07-16. Review status: criteria provided, single submitter. Criteria: ACMG Guidelines, 2015. Collection method: clinical testing. Allele origin: unknown.

Color Diagnostics, LLC DBA Color Health
Classification: Uncertain significance for Hereditary cancer-predisposing syndrome. Last evaluated: 2021-10-04. Review status: criteria provided, single submitter. Criteria: ACMG Guidelines, 2015. Collection method: clinical testing. Allele origin: germline.
Comment: This missense variant replaces aspartic acid with glycine at codon 1467 of the ATM protein. Computational prediction suggests that this variant may have deleterious impact on protein structure and function (internally defined REVEL score threshold >= 0.7, PMID: 27666373). To our knowledge, functional studies have not been reported for this variant. This variant has been reported in an individual affected with breast cancer (PMID: 11746755). This variant has not been identified in the general population by the Genome Aggregation Database (gnomAD). The available evidence is insufficient to determine the role of this variant in disease conclusively. Therefore, this variant is classified as a Variant of Uncertain Significance.

Natera, Inc.
Classification: Uncertain significance for Ataxia-telangiectasia. Last evaluated: 2021-05-04. Review status: no assertion criteria provided. Collection method: clinical testing. Allele origin: germline. Not counted in ClinVar's aggregate classification.

Literature cited by the submitters: PubMed 11746755 (cited by 4 submitters); PubMed 19781682 (cited by Women's Health and Genetics/Laboratory Corporation of America, LabCorp).